The following is an entry in ClinVar:

ClinVar aggregate classification (germline): Benign/Likely benign. Review status: criteria provided, multiple submitters, no conflicts (2 of 4 stars). 2 submissions from 2 submitters: Benign (1); Likely benign (1). Last evaluated 2024-09-19.

Conditions:
Hereditary diffuse gastric adenocarcinoma (HDGC). Also called: DIFFUSE GASTRIC AND LOBULAR BREAST CANCER SYNDROME. Identifiers: Orphanet 26106, MedGen C1708349, MONDO:0007648, OMIM 137215.

Submissions (2):

Myriad Genetics, Inc.
Classification: Benign for Hereditary diffuse gastric adenocarcinoma. Last evaluated: 2024-09-19. Review status: criteria provided, single submitter. Criteria: Myriad Autosomal Dominant, Autosomal Recessive and X-Linked Classification Criteria (2023). Collection method: clinical testing. Allele origin: unknown.
Comment: This variant is considered benign. This variant is a silent/synonymous amino acid change and it is not expected to impact splicing.

Labcorp Genetics (formerly Invitae), Labcorp
Classification: Likely benign for Hereditary diffuse gastric adenocarcinoma. Last evaluated: 2023-09-15. Review status: criteria provided, single submitter. Criteria: Invitae Variant Classification Sherloc (09022015). Collection method: clinical testing. Allele origin: germline.

NM_004360.5(CDH1):c.1608T>C (p.Asn536=)

Gene: CDH1 (cadherin 1; plus strand). Cytogenetic location: 16q22.1.
Variant type: single nucleotide variant.
Coding change: c.1608T>C on transcript NM_004360.5 (MANE Select); coding-DNA position 1608, T replaced by C.
Protein change: p.Asn536=; no amino-acid change (asparagine 536 retained).
Molecular consequence: synonymous variant. On other transcripts: intron variant (1).
Genome position (GRCh38, 1-based): chr16:68,819,322, T>C. VCF-style: chr16-68819322-T-C. GRCh37 (hg19) VCF-style: chr16-68853225-T-C.
Other names: c.1425T>C, p.Asn475= (NM_001317184.2); c.60T>C, p.Asn20= (NM_001317185.2); c.-254-2679T>C (NM_001317186.2).
Identifiers: ClinVar variation 2957126 (VCV002957126.4), dbSNP rs2543937320, ClinGen allele CA496154338.